The following is an entry in ClinVar:

ClinVar aggregate classification (germline): Uncertain significance. Review status: criteria provided, multiple submitters, no conflicts (2 of 4 stars). 2 submissions from 2 submitters: Uncertain significance (2). Last evaluated 2025-12-28.

Conditions:
Inborn genetic diseases. Identifiers: MedGen C0950123, MeSH D030342.

gnomAD v4.1: 11 of 1,598,332 alleles (0.00069%); highest among the groups gnomAD compares: African/African-American, 0.013%; no homozygotes.

Submissions (2):

Labcorp Genetics (formerly Invitae), Labcorp
Classification: Uncertain significance. Last evaluated: 2025-12-28. Review status: criteria provided, single submitter. Criteria: Invitae Variant Classification Sherloc (09022015). Collection method: clinical testing. Allele origin: germline.
Comment: This sequence change replaces proline, which is neutral and non-polar, with leucine, which is neutral and non-polar, at codon 751 of the REST protein (p.Pro751Leu). This variant is present in population databases (rs539480483, gnomAD 0.04%). This variant has not been reported in the literature in individuals affected with REST-related conditions. An algorithm developed to predict the effect of missense changes on protein structure and function (PolyPhen-2) suggests that this variant is likely to be tolerated. In summary, the available evidence is currently insufficient to determine the role of this variant in disease. Therefore, it has been classified as a Variant of Uncertain Significance.

Ambry Genetics
Classification: Uncertain significance for Inborn genetic diseases. Last evaluated: 2025-11-07. Review status: criteria provided, single submitter. Criteria: Ambry Variant Classification Scheme 2023. Collection method: clinical testing. Allele origin: germline.

NM_005612.5(REST):c.2252C>T (p.Pro751Leu)

Gene: REST (RE1 silencing transcription factor; plus strand). Cytogenetic location: 4q12.
Variant type: single nucleotide variant.
Coding change: c.2252C>T on transcript NM_005612.5 (MANE Select); coding-DNA position 2252, C replaced by T.
Protein change: p.Pro751Leu; replaces proline 751 with leucine.
Molecular consequence: missense variant.
Genome position (GRCh38, 1-based): chr4:56,931,110, C>T. VCF-style: chr4-56931110-C-T. GRCh37 (hg19) VCF-style: chr4-57797276-C-T.
Other names: c.2252C>T, p.Pro751Leu (NM_001193508.2, NM_001363453.3); c.2168C>T, p.Pro723Leu (NM_001440532.1, NM_001440533.1); short protein forms P723L, P751L.
Identifiers: ClinVar variation 4629060 (VCV004629060.2).